The following is an entry in ClinVar:

NC_000002.11:g.(?_238267977)_(238268801_?)del

Gene: COL6A3 (collagen type VI alpha 3 chain; minus strand). Cytogenetic location: 2q37.3.
Variant type: Deletion.
Identifiers: ClinVar variation 3247419 (VCV003247419.1).

ClinVar aggregate classification (germline): Pathogenic (1 of 4 stars; one submission).

Conditions:
Bethlem myopathy 1A. Also called: MYOPATHY, BENIGN CONGENITAL, WITH CONTRACTURES; Bethlem myopathy 1; Bethlem Muscular Dystrophy. Identifiers: Orphanet 610, MedGen CN029274, MONDO:0024530, OMIM 158810.

Submission:

Labcorp Genetics (formerly Invitae), Labcorp
Classification: Pathogenic for Bethlem myopathy 1A. Last evaluated: 2017-12-08. Review status: criteria provided, single submitter. Criteria: Invitae Variant Classification Sherloc (09022015). Collection method: clinical testing. Allele origin: unknown.
Comment: For these reasons, this variant has been classified as Pathogenic. Loss-of-function variants in COL6A3 are known to be pathogenic (PMID: 17886299, 11992252). This variant has not been reported in the literature in individuals with COL6A3-related disease. This variant is a gross deletion of the genomic region encompassing the last 71 nucleotides of exon 17 and all of exon 18 of the COL6A3 gene, including the intron 17, exon 18 boundary (c.6212_6309+29del). This likely creates a premature translational stop signal and is expected to result in an absent or disrupted protein product.

Literature cited by the submitters: PubMed 17886299; PubMed 11992252.